The following is an entry in ClinVar:

NM_004655.4(AXIN2):c.1523A>T (p.Lys508Met)

Gene: AXIN2 (axin 2; minus strand). Cytogenetic location: 17q24.1.
Variant type: single nucleotide variant.
Coding change: c.1523A>T on transcript NM_004655.4 (MANE Select); coding-DNA position 1523, A replaced by T.
Protein change: p.Lys508Met; replaces lysine 508 with methionine.
Molecular consequence: missense variant.
Genome position (GRCh38, 1-based): chr17:65,537,513, T>A on the plus strand (A>T on the coding strand, the complement: AXIN2 is on the minus strand). VCF-style: chr17-65537513-T-A. GRCh37 (hg19) VCF-style: chr17-63533631-T-A.
Other names: c.1523A>T, p.Lys508Met (NM_001363813.1); short protein forms K508M.
Identifiers: ClinVar variation 4188221 (VCV004188221.1).

ClinVar aggregate classification (germline): Uncertain significance (1 of 4 stars; one submission).

Conditions:
Hereditary cancer-predisposing syndrome. Also called: Neoplastic Syndromes, Hereditary; Tumor predisposition; Hereditary Cancer Syndrome; Hereditary neoplastic syndrome. Identifiers: Orphanet 140162, MedGen C0027672, MeSH D009386, MONDO:0015356.

Submission:

Ambry Genetics
Classification: Uncertain significance for Hereditary cancer-predisposing syndrome. Last evaluated: 2025-07-10. Review status: criteria provided, single submitter. Criteria: Ambry Variant Classification Scheme 2023. Collection method: clinical testing. Allele origin: germline.
Comment: The p.K508M variant (also known as c.1523A>T), located in coding exon 5 of the AXIN2 gene, results from an A to T substitution at nucleotide position 1523. The lysine at codon 508 is replaced by methionine, an amino acid with similar properties. This amino acid position is conserved. In addition, this alteration is predicted to be tolerated by in silico analysis. Based on the available evidence, the clinical significance of this variant remains unclear.